The following is an entry in ClinVar:

ClinVar aggregate classification (germline): Uncertain significance (1 of 4 stars; one submission).

Conditions:
Long QT syndrome (LQTS). Identifiers: MedGen C0023976, MeSH D008133, MONDO:0002442. Disease mechanism: loss of function. Inheritance: Various modes of inheritance.

Submission:

Labcorp Genetics (formerly Invitae), Labcorp
Classification: Uncertain significance for Long QT syndrome. Last evaluated: 2018-04-23. Review status: criteria provided, single submitter. Criteria: Invitae Variant Classification Sherloc (09022015). Collection method: clinical testing. Allele origin: germline.
Comment: Algorithms developed to predict the effect of missense changes on protein structure and function do not agree on the potential impact of this missense change (SIFT: "Tolerated"; PolyPhen-2: "Probably Damaging"; Align-GVGD: "Class C0"). This variant has not been reported in the literature in individuals with CACNA1C-related disease. This variant is not present in population databases (ExAC no frequency). This sequence change replaces proline with leucine at codon 1275 of the CACNA1C protein (p.Pro1275Leu). The proline residue is highly conserved and there is a moderate physicochemical difference between proline and leucine. In summary, the available evidence is currently insufficient to determine the role of this variant in disease. Therefore, it has been classified as a Variant of Uncertain Significance.

NM_000719.7(CACNA1C):c.3824C>T (p.Pro1275Leu)

Gene: CACNA1C (calcium voltage-gated channel subunit alpha1 C; plus strand). Cytogenetic location: 12p13.33.
Variant type: single nucleotide variant.
Coding change: c.3824C>T on transcript NM_000719.7 (MANE Select); coding-DNA position 3824, C replaced by T.
Protein change: p.Pro1275Leu; replaces proline 1275 with leucine.
Molecular consequence: missense variant.
Genome position (GRCh38, 1-based): chr12:2,612,009, C>T. VCF-style: chr12-2612009-C-T. GRCh37 (hg19) VCF-style: chr12-2721175-C-T.
Other names: c.3884C>T, p.Pro1295Leu (NM_001129827.2, NM_001129832.2, NM_199460.4); c.3824C>T, p.Pro1275Leu (NM_001129829.2, NM_001129830.3, NM_001129831.2 and 15 more transcripts); c.3815C>T, p.Pro1272Leu (NM_001129844.2); short protein forms P1275L, P1295L, P1272L.
Identifiers: ClinVar variation 572908 (VCV000572908.9), dbSNP rs1568791833, ClinGen allele CA383377476.